The following is an entry in ClinVar:

ClinVar aggregate classification (germline): Uncertain significance. Review status: criteria provided, multiple submitters, no conflicts (2 of 4 stars). 2 submissions from 2 submitters: Uncertain significance (2). Last evaluated 2025-09-23.

Conditions:
Aicardi-Goutieres syndrome 4. Identifiers: Orphanet 51, MedGen C1835912, MONDO:0012472, OMIM 610333.

Allele frequency attached by ClinVar (database versions not stated): TOPMed 0.00002; gnomAD exomes 0.00007; ExAC 0.00009.
gnomAD v4.1: 42 of 1,614,198 alleles (0.0026%); highest among the groups gnomAD compares: African/African-American, 0.004%; no homozygotes.

Submissions (2):

Labcorp Genetics (formerly Invitae), Labcorp
Classification: Uncertain significance for Aicardi-Goutieres syndrome 4. Last evaluated: 2025-09-23. Review status: criteria provided, single submitter. Criteria: Invitae Variant Classification Sherloc (09022015). Collection method: clinical testing. Allele origin: germline.
Comment: This sequence change replaces arginine, which is basic and polar, with glutamine, which is neutral and polar, at codon 152 of the RNASEH2A protein (p.Arg152Gln). This variant is present in population databases (rs757486362, gnomAD 0.03%). This variant has not been reported in the literature in individuals affected with RNASEH2A-related conditions. ClinVar contains an entry for this variant (Variation ID: 1043470). Invitae Evidence Modeling of protein sequence and biophysical properties (such as structural, functional, and spatial information, amino acid conservation, physicochemical variation, residue mobility, and thermodynamic stability) indicates that this missense variant is not expected to disrupt RNASEH2A protein function with a negative predictive value of 80%. In summary, the available evidence is currently insufficient to determine the role of this variant in disease. Therefore, it has been classified as a Variant of Uncertain Significance.

Fulgent Genetics
Classification: Uncertain significance for Aicardi-Goutieres syndrome 4. Last evaluated: 2024-06-04. Review status: criteria provided, single submitter. Criteria: ACMG Guidelines, 2015. Collection method: clinical testing. Allele origin: germline.

NM_006397.3(RNASEH2A):c.455G>A (p.Arg152Gln)

Gene: RNASEH2A (ribonuclease H2 subunit A; plus strand). Cytogenetic location: 19p13.13.
Variant type: single nucleotide variant.
Coding change: c.455G>A on transcript NM_006397.3 (MANE Select); coding-DNA position 455, G replaced by A.
Protein change: p.Arg152Gln; replaces arginine 152 with glutamine.
Molecular consequence: missense variant.
Genome position (GRCh38, 1-based): chr19:12,810,114, G>A. VCF-style: chr19-12810114-G-A. GRCh37 (hg19) VCF-style: chr19-12920928-G-A.
Other names: short protein forms R152Q.
Identifiers: ClinVar variation 1043470 (VCV001043470.6), dbSNP rs757486362, ClinGen allele CA9231908.